The following is an entry in ClinVar:

ClinVar aggregate classification (germline): Uncertain significance. Review status: criteria provided, multiple submitters, no conflicts (2 of 4 stars). 3 submissions from 3 submitters: Uncertain significance (3). Last evaluated 2026-01-09.

Conditions:
Cardiovascular phenotype. Identifiers: MedGen CN230736.
Lethal congenital glycogen storage disease of heart. Also called: GLYCOGEN STORAGE DISEASE OF HEART; PHOSPHORYLASE KINASE DEFICIENCY OF HEART. Identifiers: Orphanet 439854, MedGen C1849813, MONDO:0009867, OMIM 261740.
Cardiomyopathy (CMYO). Also called: Cardiomyopathies. Identifiers: Orphanet 167848, MedGen C0878544, MONDO:0004994, HP:0001638. Inheritance: Various modes of inheritance.

Allele frequency attached by ClinVar (database versions not stated): TOPMed below 0.00001; gnomAD exomes 0.00002.

Submissions (3):

Labcorp Genetics (formerly Invitae), Labcorp
Classification: Uncertain significance for Lethal congenital glycogen storage disease of heart. Last evaluated: 2026-01-09. Review status: criteria provided, single submitter. Criteria: Invitae Variant Classification Sherloc (09022015). Collection method: clinical testing. Allele origin: germline.
Comment: This sequence change replaces serine, which is neutral and polar, with phenylalanine, which is neutral and non-polar, at codon 42 of the PRKAG2 protein (p.Ser42Phe). This variant is not present in population databases (gnomAD no frequency). This variant has not been reported in the literature in individuals affected with PRKAG2-related conditions. ClinVar contains an entry for this variant (Variation ID: 2050319). Invitae Evidence Modeling of protein sequence and biophysical properties (such as structural, functional, and spatial information, amino acid conservation, physicochemical variation, residue mobility, and thermodynamic stability) indicates that this missense variant is not expected to disrupt PRKAG2 protein function with a negative predictive value of 95%. In summary, the available evidence is currently insufficient to determine the role of this variant in disease. Therefore, it has been classified as a Variant of Uncertain Significance.

Ambry Genetics
Classification: Uncertain significance for Cardiovascular phenotype. Last evaluated: 2025-06-28. Review status: criteria provided, single submitter. Criteria: Ambry Variant Classification Scheme 2023. Collection method: clinical testing. Allele origin: germline.
Comment: The p.S42F variant (also known as c.125C>T), located in coding exon 2 of the PRKAG2 gene, results from a C to T substitution at nucleotide position 125. The serine at codon 42 is replaced by phenylalanine, an amino acid with highly dissimilar properties. This amino acid position is conserved. In addition, the in silico prediction for this alteration is inconclusive. Based on the available evidence, the clinical significance of this variant remains unclear.

Color Diagnostics, LLC DBA Color Health
Classification: Uncertain significance for Cardiomyopathy. Last evaluated: 2024-08-06. Review status: criteria provided, single submitter. Criteria: ACMG Guidelines, 2015. Collection method: clinical testing. Allele origin: germline.
Comment: This missense variant replaces serine with phenylalanine at codon 42 of the PRKAG2 protein. Computational prediction suggests that this variant may not impact protein structure and function (internally defined REVEL score threshold <= 0.5, PMID: 27666373). To our knowledge, functional studies have not been reported for this variant. This variant has not been reported in individuals affected with PRKAG2-related disorders in the literature. This variant has not been identified in the general population by the Genome Aggregation Database (gnomAD). The available evidence is insufficient to determine the role of this variant in disease conclusively. Therefore, this variant is classified as a Variant of Uncertain Significance.

NM_016203.4(PRKAG2):c.125C>T (p.Ser42Phe)

Gene: PRKAG2 (protein kinase AMP-activated non-catalytic subunit gamma 2; minus strand). Cytogenetic location: 7q36.1.
Variant type: single nucleotide variant.
Coding change: c.125C>T on transcript NM_016203.4 (MANE Select); coding-DNA position 125, C replaced by T.
Protein change: p.Ser42Phe; replaces serine 42 with phenylalanine.
Molecular consequence: missense variant. On other transcripts: 5 prime UTR variant (1).
Genome position (GRCh38, 1-based): chr7:151,786,531, G>A on the plus strand (C>T on the coding strand, the complement: PRKAG2 is on the minus strand). VCF-style: chr7-151786531-G-A. GRCh37 (hg19) VCF-style: chr7-151483617-G-A.
Other names: c.125C>T (NM_016203.3); c.-8C>T (NM_001040633.2, NM_001407024.1, NM_001407026.1 and 2 more transcripts); c.125C>T, p.Ser42Phe (NM_001407021.1, NM_001407022.1, NM_001407023.1 and 2 more transcripts); short protein forms S42F.
Identifiers: ClinVar variation 2050319 (VCV002050319.6), dbSNP rs768916930, ClinGen allele CA169174518.
Genomic context (GRCh38, chr7:151,786,531, plus strand): 5'-TTTCGAGAGGAATGCTTTCCGGAACCCTCCAGGTCTCCGTCCAGGAGCGGCATGGCGAAG[G>A]AGCTCAGGTCCTAGGGTGGACAGAGAGCACGTGGTCAGTGACAGTGGCCCTCGGGCCCAG-3'
Protein context (NP_057287.2, residues 32-52): SLRVHIPDLS[Ser42Phe]FAMPLLDGDL